The following is an entry in ClinVar:

ClinVar aggregate classification (germline): Pathogenic (1 of 4 stars; one submission).

Conditions:
Neuronal ceroid lipofuscinosis 7 (CLN7). Also called: MFSD8-Related Neuronal Ceroid-Lipofuscinosis. Identifiers: Orphanet 168491, Orphanet 228366, MedGen C1838571, MONDO:0012588, OMIM 610951.

Submission:

Labcorp Genetics (formerly Invitae), Labcorp
Classification: Pathogenic for Neuronal ceroid lipofuscinosis 7. Last evaluated: 2022-08-31. Review status: criteria provided, single submitter. Criteria: Invitae Variant Classification Sherloc (09022015). Collection method: clinical testing. Allele origin: germline.
Comment: For these reasons, this variant has been classified as Pathogenic. This variant has not been reported in the literature in individuals affected with MFSD8-related conditions. This variant is a gross deletion of the genomic region encompassing exon(s) 9 of the MFSD8 gene. This deletion is out-of-frame, and is expected to create a premature termination codon and result in an absent or disrupted protein product. Loss-of-function variants in MFSD8 are known to be pathogenic (PMID: 19177532, 25227500, 28586915).

Literature cited by the submitters: PubMed 19177532; PubMed 25227500; PubMed 28586915.

NC_000004.12:g.(?_127932965)_(127933113_?)del

Gene: MFSD8 (major facilitator superfamily domain containing 8; minus strand). Cytogenetic location: 4q28.2.
Variant type: Deletion.
Identifiers: ClinVar variation 832788 (VCV000832788.3).